The following is an entry in ClinVar:

NM_000051.4(ATM):c.3075_3077+23del

Gene: ATM (ATM serine/threonine kinase; plus strand). Cytogenetic location: 11q22.3.
Variant type: Deletion.
Coding change: c.3075_3077+23del on transcript NM_000051.4 (MANE Select); coding-DNA position 3075 through 23 bases into the intron after coding-DNA position 3077, 26 bases deleted (TTGGTAGGTACAGTCTATTTTGTGGT).
Molecular consequence: splice donor variant.
Genome position (GRCh38, 1-based): chr11:108,271,404-108,271,429, TTGGTAGGTACAGTCTATTTTGTGGT deleted; deleting any 26 consecutive bases within chr11:108,271,403-108,271,429 gives the same sequence; the c. name uses the placement nearest the transcript's 3' end. VCF-style (leftmost placement, unchanged base first): chr11-108271402-TTTTGGTAGGTACAGTCTATTTTGTGG-T. GRCh37 (hg19) VCF-style: chr11-108142129-TTTTGGTAGGTACAGTCTATTTTGTGG-T.
Other names: c.3075_3077+23del (NM_001351834.2).
Identifiers: ClinVar variation 2748596 (VCV002748596.3), dbSNP rs2497692004, ClinGen allele CA2697558914.

ClinVar aggregate classification (germline): Pathogenic (1 of 4 stars; one submission).

Conditions:
Ataxia-telangiectasia syndrome (AT). Also called: AT, COMPLEMENTATION GROUP C; Ataxia-telangiectasia, complementation group D; ATAXIA-TELANGIECTASIA, COMPLEMENTATION GROUP A; ATAXIA-TELANGIECTASIA, FRESNO VARIANT; Ataxia-telangiectasia; Ataxia telangiectasia (A-T). Identifiers: Orphanet 100, MedGen C0004135, MONDO:0008840, OMIM 208900.

Submission:

Labcorp Genetics (formerly Invitae), Labcorp
Classification: Pathogenic for Ataxia-telangiectasia syndrome. Last evaluated: 2023-07-31. Review status: criteria provided, single submitter. Criteria: Invitae Variant Classification Sherloc (09022015). Collection method: clinical testing. Allele origin: germline.
Comment: This variant disrupts a region of the ATM protein in which other variant(s) (p.Cys977Tyr) have been determined to be pathogenic (PMID: 35047863; Invitae). This suggests that this is a clinically significant region of the protein, and that variants that disrupt it are likely to be disease-causing. For these reasons, this variant has been classified as Pathogenic. Studies have shown that this variant results in skipping of exon 20, but is expected to preserve the integrity of the reading-frame (Invitae). This variant has not been reported in the literature in individuals affected with ATM-related conditions. This variant is not present in population databases (gnomAD no frequency). This variant results in the deletion of part of exon 20 (c.3075_3077+23del) of the ATM gene. RNA analysis indicates that this variant induces altered splicing and likely results in a shortened protein product.

Literature cited by the submitters: PubMed 35047863.